The following is an entry in ClinVar:

ClinVar aggregate classification (germline): Uncertain significance (1 of 4 stars; one submission).

Conditions:
Autosomal dominant hypocalcemia 1 (HYPOC1). Also called: HYPOCALCEMIA, FAMILIAL. Identifiers: MedGen C3715128, MONDO:0011013, OMIM 601198.
Familial hypocalciuric hypercalcemia (FHH). Also called: Familial benign hypercalcemia. Identifiers: Orphanet 405, MedGen C1809471, MONDO:0018458.

Submission:

Labcorp Genetics (formerly Invitae), Labcorp
Classification: Uncertain significance for Familial hypocalciuric hypercalcemia; Autosomal dominant hypocalcemia 1. Last evaluated: 2025-07-14. Review status: criteria provided, single submitter. Criteria: Invitae Variant Classification Sherloc (09022015). Collection method: clinical testing. Allele origin: germline.
Comment: This sequence change replaces leucine, which is neutral and non-polar, with valine, which is neutral and non-polar, at codon 861 of the CASR protein (p.Leu861Val). This variant is not present in population databases (gnomAD no frequency). This variant has not been reported in the literature in individuals affected with CASR-related conditions. ClinVar contains an entry for this variant (Variation ID: 945722). An algorithm developed to predict the effect of missense changes on protein structure and function (PolyPhen-2) suggests that this variant is likely to be disruptive. In summary, the available evidence is currently insufficient to determine the role of this variant in disease. Therefore, it has been classified as a Variant of Uncertain Significance.

NM_000388.4(CASR):c.2581C>G (p.Leu861Val)

Gene: CASR (calcium sensing receptor; plus strand). Cytogenetic location: 3q21.1.
Variant type: single nucleotide variant.
Coding change: c.2581C>G on transcript NM_000388.4 (MANE Select); coding-DNA position 2581, C replaced by G.
Protein change: p.Leu861Val; replaces leucine 861 with valine.
Molecular consequence: missense variant.
Genome position (GRCh38, 1-based): chr3:122,284,535, C>G. VCF-style: chr3-122284535-C-G. GRCh37 (hg19) VCF-style: chr3-122003382-C-G.
Other names: c.2611C>G, p.Leu871Val (NM_001178065.2); short protein forms L871V, L861V.
Identifiers: ClinVar variation 945722 (VCV000945722.10), dbSNP rs2074941334, ClinGen allele CA354160338.